The following is an entry in ClinVar:

ClinVar aggregate classification (germline): Uncertain significance. Review status: criteria provided, multiple submitters, no conflicts (2 of 4 stars). 4 submissions from 4 submitters: Uncertain significance (4). Last evaluated 2025-02-10.

Conditions:
Hereditary nonpolyposis colorectal neoplasms. Identifiers: MedGen C0009405, MeSH D003123.
Hereditary cancer-predisposing syndrome. Also called: Hereditary neoplastic syndrome; Hereditary Cancer Syndrome; Neoplastic Syndromes, Hereditary; Tumor predisposition. Identifiers: Orphanet 140162, MedGen C0027672, MeSH D009386, MONDO:0015356.
Lynch syndrome. Identifiers: Orphanet 144, MedGen C4552100, MONDO:0005835. Disease mechanism: loss of function.

gnomAD v4.1: 10 of 1,613,330 alleles (0.00062%); highest among the groups gnomAD compares: Non-Finnish European, 0.00085%; no homozygotes.

Submissions (4):

Color Diagnostics, LLC DBA Color Health
Classification: Uncertain significance for Hereditary cancer-predisposing syndrome. Last evaluated: 2025-02-10. Review status: criteria provided, single submitter. Criteria: ACMG Guidelines, 2015. Collection method: clinical testing. Allele origin: germline.
Comment: This missense variant replaces serine with asparagine at codon 1199 of the MSH6 protein. Computational prediction suggests that this variant may not impact protein structure and function (internally defined REVEL score threshold <= 0.5, PMID: 27666373). To our knowledge, functional studies have not been reported for this variant. This variant has not been reported in individuals affected with MSH6-related disorders in the literature. This variant has not been identified in the general population by the Genome Aggregation Database (gnomAD). The available evidence is insufficient to determine the role of this variant in disease conclusively. Therefore, this variant is classified as a Variant of Uncertain Significance.

Labcorp Genetics (formerly Invitae), Labcorp
Classification: Uncertain significance for Hereditary nonpolyposis colorectal neoplasms. Last evaluated: 2024-08-16. Review status: criteria provided, single submitter. Criteria: Invitae Variant Classification Sherloc (09022015). Collection method: clinical testing. Allele origin: germline.
Comment: This sequence change replaces serine, which is neutral and polar, with asparagine, which is neutral and polar, at codon 1199 of the MSH6 protein (p.Ser1199Asn). This variant is not present in population databases (gnomAD no frequency). This variant has not been reported in the literature in individuals affected with MSH6-related conditions. ClinVar contains an entry for this variant (Variation ID: 230016). Invitae Evidence Modeling of protein sequence and biophysical properties (such as structural, functional, and spatial information, amino acid conservation, physicochemical variation, residue mobility, and thermodynamic stability) indicates that this missense variant is not expected to disrupt MSH6 protein function with a negative predictive value of 95%. In summary, the available evidence is currently insufficient to determine the role of this variant in disease. Therefore, it has been classified as a Variant of Uncertain Significance.

Ambry Genetics
Classification: Uncertain significance for Hereditary cancer-predisposing syndrome. Last evaluated: 2024-03-11. Review status: criteria provided, single submitter. Criteria: Ambry Variant Classification Scheme 2023. Collection method: clinical testing. Allele origin: germline.
Comment: The p.S1199N variant (also known as c.3596G>A), located in coding exon 7 of the MSH6 gene, results from a G to A substitution at nucleotide position 3596. The serine at codon 1199 is replaced by asparagine, an amino acid with highly similar properties. This amino acid position is highly conserved in available vertebrate species. In addition, the in silico prediction for this alteration is inconclusive. Based on the available evidence, the clinical significance of this alteration remains unclear.

All of Us Research Program, National Institutes of Health
Classification: Uncertain significance for Lynch syndrome. Last evaluated: 2023-09-04. Review status: criteria provided, single submitter. Criteria: ACMG Guidelines, 2015. Collection method: clinical testing. Allele origin: germline. Inheritance: Autosomal dominant inheritance. Observed: 1 variant allele, 1 heterozygote.
Comment: This missense variant replaces serine with asparagine at codon 1199 of the MSH6 protein. Computational prediction suggests that this variant may not impact protein structure and function (internally defined REVEL score threshold <= 0.5, PMID: 27666373). To our knowledge, functional studies have not been reported for this variant. This variant has not been reported in individuals affected with MSH6-related disorders in the literature. This variant has not been identified in the general population by the Genome Aggregation Database (gnomAD). The available evidence is insufficient to determine the role of this variant in disease conclusively. Therefore, this variant is classified as a Variant of Uncertain Significance.

This study involves interpretation of variants in research participants for the purpose of population health screening. Participant phenotype was not available at the time of variant classification. Additional details can be found in publication PMID: 35346344, PMCID: PMC8962531

NM_000179.3(MSH6):c.3596G>A (p.Ser1199Asn)

Gene: MSH6 (mutS homolog 6; plus strand). Cytogenetic location: 2p16.3.
Variant type: single nucleotide variant.
Coding change: c.3596G>A on transcript NM_000179.3 (MANE Select); coding-DNA position 3596, G replaced by A.
Protein change: p.Ser1199Asn; replaces serine 1199 with asparagine.
Molecular consequence: missense variant.
Genome position (GRCh38, 1-based): chr2:47,805,657, G>A. VCF-style: chr2-47805657-G-A. GRCh37 (hg19) VCF-style: chr2-48032796-G-A.
Other names: c.3206G>A, p.Ser1069Asn (NM_001281492.2); c.2690G>A, p.Ser897Asn (NM_001281493.2, NM_001281494.2); short protein forms S1199N, S1069N, S897N.
Identifiers: ClinVar variation 230016 (VCV000230016.19), dbSNP rs773185557, ClinGen allele CA10578150.